The following is an entry in ClinVar:

ClinVar aggregate classification (germline): Benign (0 of 4 stars; one submission).

Conditions:
QRICH2-related disorder. Also called: QRICH2-related condition.

Allele frequency attached by ClinVar (database versions not stated): TOPMed 0.00006; gnomAD 0.00034; gnomAD exomes 0.00052; ExAC 0.00127; 1000 Genomes Project 0.00300.

Submission:

PreventionGenetics, part of Exact Sciences
Classification: Benign for QRICH2-related condition. Last evaluated: 2019-05-27. Review status: no assertion criteria provided. Collection method: clinical testing. Allele origin: germline.
Comment: This variant is classified as benign based on ACMG/AMP sequence variant interpretation guidelines (Richards et al. 2015 PMID: 25741868, with internal and published modifications).

NM_001388453.1(QRICH2):c.2494G>T (p.Val832Phe)

Gene: QRICH2 (glutamine rich 2; minus strand). Cytogenetic location: 17q25.1.
Variant type: single nucleotide variant.
Coding change: c.2494G>T on transcript NM_001388453.1 (MANE Select); coding-DNA position 2494, G replaced by T.
Protein change: p.Val832Phe; replaces valine 832 with phenylalanine.
Molecular consequence: missense variant.
Genome position (GRCh38, 1-based): chr17:76,292,233, C>A on the plus strand (G>T on the coding strand, the complement: QRICH2 is on the minus strand). VCF-style: chr17-76292233-C-A. GRCh37 (hg19) VCF-style: chr17-74288314-C-A.
Other names: c.2494G>T, p.Val832Phe (NM_032134.3); short protein forms V832F.
Identifiers: ClinVar variation 3038458 (VCV003038458.2), dbSNP rs577966992, ClinGen allele CA8784052.